The following is an entry in ClinVar:

NM_001814.6(CTSC):c.839C>T (p.Thr280Ile)

Gene: CTSC (cathepsin C; minus strand). Cytogenetic location: 11q14.2.
Variant type: single nucleotide variant.
Coding change: c.839C>T on transcript NM_001814.6 (MANE Select); coding-DNA position 839, C replaced by T.
Protein change: p.Thr280Ile; replaces threonine 280 with isoleucine.
Molecular consequence: missense variant.
Genome position (GRCh38, 1-based): chr11:88,296,183, G>A on the plus strand (C>T on the coding strand, the complement: CTSC is on the minus strand). VCF-style: chr11-88296183-G-A. GRCh37 (hg19) VCF-style: chr11-88029351-G-A.
Other names: short protein forms T280I.
Identifiers: ClinVar variation 1434514 (VCV001434514.7), dbSNP rs1213914396, ClinGen allele CA382022635.
Genomic context (GRCh38, chr11:88,296,183, plus strand): 5'-CAACACTTACCTTGAGCATACTGGCTACAAGACACAACCTCCTGAGGGCTTAGGATTGGG[G>A]TCTGAGAATTGTTGGTTAGTATACGGATTCTCGCTTCTAGCATACCCATAGAAGCAAATG-3'
Protein context (NP_001805.4, residues 270-290): RIRILTNNSQ[Thr280Ile]PILSPQEVVS

ClinVar aggregate classification (germline): Uncertain significance (1 of 4 stars; one submission).

Conditions:
Papillon-Lefèvre syndrome (PALS). Also called: KERATOSIS PALMOPLANTARIS WITH PERIODONTOPATHIA; Papillon-Lefevre Disease. Identifiers: Orphanet 678, MedGen C0030360, MONDO:0009490, OMIM 245000.
Periodontitis, aggressive. Identifiers: MedGen C0031106, MONDO:0980757.
Haim-Munk syndrome (HMS). Also called: COCHIN JEWISH DISORDER; KERATOSIS PALMOPLANTARIS WITH PERIODONTOPATHIA AND ONYCHOGRYPOSIS. Identifiers: Orphanet 2342, MedGen C1855627, MONDO:0009491, OMIM 245010.

gnomAD v4.1: 11 of 1,614,028 alleles (0.00068%); highest among the groups gnomAD compares: Non-Finnish European, 0.00076%; no homozygotes.

Submission:

Labcorp Genetics (formerly Invitae), Labcorp
Classification: Uncertain significance for Haim-Munk syndrome; Periodontitis, aggressive; Papillon-Lefèvre syndrome. Last evaluated: 2024-06-27. Review status: criteria provided, single submitter. Criteria: Invitae Variant Classification Sherloc (09022015). Collection method: clinical testing. Allele origin: germline.
Comment: This sequence change replaces threonine, which is neutral and polar, with isoleucine, which is neutral and non-polar, at codon 280 of the CTSC protein (p.Thr280Ile). This variant is present in population databases (no rsID available, gnomAD 0.0009%). This variant has not been reported in the literature in individuals affected with CTSC-related conditions. ClinVar contains an entry for this variant (Variation ID: 1434514). Advanced modeling of protein sequence and biophysical properties (such as structural, functional, and spatial information, amino acid conservation, physicochemical variation, residue mobility, and thermodynamic stability) performed at Invitae indicates that this missense variant is not expected to disrupt CTSC protein function with a negative predictive value of 80%. In summary, the available evidence is currently insufficient to determine the role of this variant in disease. Therefore, it has been classified as a Variant of Uncertain Significance.